The following is an entry in ClinVar:

ClinVar aggregate classification (germline): other (0 of 4 stars; one submission).

Conditions:
Familial colorectal cancer. Identifiers: MedGen CN280943, MONDO:0023113. Disease mechanism: loss of function.

Submission:

Systems Biology Platform Zhejiang California International NanoSystems Institute
Classification: other for Familial colorectal cancer. Review status: no assertion criteria provided. Collection method: not provided. Allele origin: unknown.
ClinVar note: Converted during submission from cancer to other.

NM_000038.6(APC):c.934-960A>G

Gene: APC (APC regulator of WNT signaling pathway; plus strand). Cytogenetic location: 5q22.2.
Variant type: single nucleotide variant.
Coding change: c.934-960A>G on transcript NM_000038.6 (MANE Select); 960 bases into the intron before coding-DNA position 934, A replaced by G.
Molecular consequence: intron variant.
Genome position (GRCh38, 1-based): chr5:112,818,006, A>G. VCF-style: chr5-112818006-A-G. GRCh37 (hg19) VCF-style: chr5-112153703-A-G.
Other names: c.934-960A>G (NM_001354895.2, NM_001127510.3, NM_001354896.2); c.964-960A>G (NM_001354897.2); c.964-1263A>G (NM_001354902.2); c.880-960A>G (NM_001127511.3); c.859-960A>G (NM_001354898.2); c.859-1263A>G (NM_001354904.2); c.85-960A>G (NM_001354906.2); c.934-1263A>G (NM_001354903.2); and 3 more.
Identifiers: ClinVar variation 83114 (VCV000083114.2), dbSNP rs75005266, ClinGen allele CA015971.